The following is an entry in ClinVar:

NM_000124.4(ERCC6):c.422+1G>C

Gene: ERCC6 (ERCC excision repair 6, chromatin remodeling factor; minus strand). Cytogenetic location: 10q11.23.
Variant type: single nucleotide variant.
Coding change: c.422+1G>C on transcript NM_000124.4 (MANE Select); the canonical splice donor site of the intron after coding-DNA position 422, G replaced by C.
Molecular consequence: splice donor variant.
Genome position (GRCh38, 1-based): chr10:49,532,542, C>G on the plus strand (G>C on the coding strand, the complement: ERCC6 is on the minus strand). VCF-style: chr10-49532542-C-G. GRCh37 (hg19) VCF-style: chr10-50740588-C-G.
Other names: c.422+1G>C (NM_001346440.2, NM_001277059.2, NM_001277058.2).
Identifiers: ClinVar variation 556340 (VCV000556340.10), dbSNP rs1198472093, ClinGen allele CA376711854.

ClinVar aggregate classification (germline): Likely pathogenic. Review status: criteria provided, single submitter (1 of 4 stars). 2 submissions from 2 submitters: Likely pathogenic (1). 1 of the submissions does not count toward it. Last evaluated 2023-04-09.

Conditions:
DE SANCTIS-CACCHIONE SYNDROME. Identifiers: MedGen C0265201, MONDO:0010217, OMIM 278800.
Cockayne syndrome type 2 (CSB). Also called: Cockayne Syndrome, Type II; COCKAYNE SYNDROME B. Identifiers: Orphanet 191, Orphanet 90322, MedGen C0751038, MONDO:0019570, OMIM 133540.
Cerebrooculofacioskeletal syndrome 1 (COFS1). Also called: Cerebro-oculo-facio-skeletal syndrome 1. Identifiers: MedGen C0220722, MONDO:0008955, OMIM 214150.

gnomAD v4.1: 2 of 1,613,750 alleles (0.00012%); highest among the groups gnomAD compares: Non-Finnish European, 0.00017%; no homozygotes.

Submissions (2):

Labcorp Genetics (formerly Invitae), Labcorp
Classification: Likely pathogenic. Last evaluated: 2023-04-09. Review status: criteria provided, single submitter. Criteria: Invitae Variant Classification Sherloc (09022015). Collection method: clinical testing. Allele origin: germline.
Comment: This variant has not been reported in the literature in individuals affected with ERCC6-related conditions. This variant is not present in population databases (gnomAD no frequency). This sequence change affects a donor splice site in intron 2 of the ERCC6 gene. It is expected to disrupt RNA splicing. Variants that disrupt the donor or acceptor splice site typically lead to a loss of protein function (PMID: 16199547), and loss-of-function variants in ERCC6 are known to be pathogenic (PMID: 18628313, 29572252). ClinVar contains an entry for this variant (Variation ID: 556340). In summary, the currently available evidence indicates that the variant is pathogenic, but additional data are needed to prove that conclusively. Therefore, this variant has been classified as Likely Pathogenic. Algorithms developed to predict the effect of sequence changes on RNA splicing suggest that this variant may disrupt the consensus splice site.

Counsyl
Classification: Likely pathogenic for Cockayne syndrome type 2; Cerebrooculofacioskeletal syndrome 1; DE SANCTIS-CACCHIONE SYNDROME. Last evaluated: 2018-01-24. Review status: no assertion criteria provided. Collection method: clinical testing. Allele origin: unknown. Not counted in ClinVar's aggregate classification.

Literature cited by the submitters: PubMed 16199547 (cited by Labcorp Genetics (formerly Invitae), Labcorp); PubMed 18628313 (cited by Labcorp Genetics (formerly Invitae), Labcorp); PubMed 29572252 (cited by Labcorp Genetics (formerly Invitae), Labcorp).